The following is an entry in ClinVar:

NM_201599.3(ZMYM3):c.1126T>G (p.Ser376Ala)

Gene: ZMYM3 (zinc finger MYM-type containing 3; minus strand). Cytogenetic location: Xq13.1.
Variant type: single nucleotide variant.
Coding change: c.1126T>G on transcript NM_201599.3 (MANE Select); coding-DNA position 1126, T replaced by G.
Protein change: p.Ser376Ala; replaces serine 376 with alanine.
Molecular consequence: missense variant.
Genome position (GRCh38, 1-based): chrX:71,250,151, A>C on the plus strand (T>G on the coding strand, the complement: ZMYM3 is on the minus strand). VCF-style: chrX-71250151-A-C. GRCh37 (hg19) VCF-style: chrX-70470001-A-C.
Other names: c.1126T>G, p.Ser376Ala (NM_001171162.1, NM_001171163.1, NM_005096.3); short protein forms S376A.
Identifiers: ClinVar variation 3769847 (VCV003769847.1).
Genomic context (GRCh38, chrX:71,250,151, plus strand): 5'-GGCGCTGCTGCTGGGCCTCATACAGGGAGAGACAGACGGATGTGCAGAACTCATGGAAGG[A>C]GCCTCCAGAACCAGTCTGCGCCACAACCGAGTCCTTGGTGTTCCAGATCTCCCTAGAGGT-3'
Protein context (NP_963893.1, residues 366-386): SVVAQTGSGG[Ser376Ala]FHEFCTSVCL

ClinVar aggregate classification (germline): Uncertain significance (1 of 4 stars; one submission).

gnomAD v4.1: 3 of 1,202,867 alleles (0.00025%); highest among the groups gnomAD compares: Non-Finnish European, 0.00034%; no homozygotes.

Submission:

GeneDx
Classification: Uncertain significance. Last evaluated: 2024-09-11. Review status: criteria provided, single submitter. Criteria: GeneDx Variant Classification Process June 2021. Collection method: clinical testing. Allele origin: germline. Affected: yes.
Comment: Not observed at significant frequency in large population cohorts (gnomAD); In silico analysis supports that this missense variant has a deleterious effect on protein structure/function; Has not been previously published as pathogenic or benign to our knowledge